The following is an entry in ClinVar:

ClinVar aggregate classification (germline): Uncertain significance (1 of 4 stars; one submission).

Allele frequency attached by ClinVar (database versions not stated): gnomAD exomes below 0.00001; gnomAD 0.00001; TOPMed 0.00001.
gnomAD v4.1: 3 of 1,614,080 alleles (0.00019%); highest among the groups gnomAD compares: Non-Finnish European, 0.00025%; no homozygotes.

Submission:

Ambry Genetics
Classification: Uncertain significance. Last evaluated: 2024-09-02. Review status: criteria provided, single submitter. Criteria: Ambry Variant Classification Scheme 2023. Collection method: clinical testing. Allele origin: germline.
Comment: The c.1745G>T variant (also known as p.*582Lext*24), located in coding exon 10 of the GALNT12 gene, results from a G to T substitution at nucleotide position 1745, which is the last nucleotide of the GALNT12 gene. This alteration disrupts the stop codon of the GALNT12 gene and is predicted to preserve the native sequence while resulting in the elongation of the protein by 24 amino acids. The exact functional effect of these additional amino acids is unknown. The evidence for this gene-disease relationship is also limited; therefore, the clinical significance of this alteration is unclear.

NM_024642.5(GALNT12):c.1745G>T (p.Ter582Leu)

Gene: GALNT12 (polypeptide N-acetylgalactosaminyltransferase 12; plus strand). Cytogenetic location: 9q22.33.
Variant type: single nucleotide variant.
Coding change: c.1745G>T on transcript NM_024642.5 (MANE Select); coding-DNA position 1745, G replaced by T.
Protein change: p.Ter582Leu.
Molecular consequence: stop lost.
Genome position (GRCh38, 1-based): chr9:98,849,091, G>T. VCF-style: chr9-98849091-G-T. GRCh37 (hg19) VCF-style: chr9-101611373-G-T.
Identifiers: ClinVar variation 1779282 (VCV001779282.3), dbSNP rs1836490804, ClinGen allele CA374223434.